The following is an entry in ClinVar:

NM_024408.4(NOTCH2):c.836T>G (p.Val279Gly)

Gene: NOTCH2 (notch receptor 2; minus strand). Cytogenetic location: 1p12.
Variant type: single nucleotide variant.
Coding change: c.836T>G on transcript NM_024408.4 (MANE Select); coding-DNA position 836, T replaced by G.
Protein change: p.Val279Gly; replaces valine 279 with glycine.
Molecular consequence: missense variant.
Genome position (GRCh38, 1-based): chr1:119,986,998, A>C on the plus strand (T>G on the coding strand, the complement: NOTCH2 is on the minus strand). VCF-style: chr1-119986998-A-C. GRCh37 (hg19) VCF-style: chr1-120529621-A-C.
Other names: c.836T>G, p.Val279Gly (NM_001200001.2); short protein forms V279G.
Identifiers: ClinVar variation 989251 (VCV000989251.4), dbSNP rs1557834060, ClinGen allele CA341887540.

ClinVar aggregate classification (germline): Uncertain significance (1 of 4 stars; one submission).

Conditions:
Alagille syndrome due to a NOTCH2 point mutation. Also called: Alagille syndrome 2. Identifiers: Orphanet 261629, Orphanet 52, MedGen C1857761, MONDO:0012439, OMIM 610205.

Submission:

Illumina Laboratory Services, Illumina
Classification: Uncertain significance for Alagille syndrome due to a NOTCH2 point mutation. Last evaluated: 2019-04-24. Review status: criteria provided, single submitter. Criteria: ICSLVariantClassificationCriteria RUGD 01 April 2020. Collection method: clinical testing. Allele origin: unknown.
Comment: The NOTCH2 c.836T>G (p.Val279Gly) variant is a missense variant. A literature search was performed for the gene, cDNA change and amino acid change. No publications were found based on this search. This variant is not found in the Genome Aggregation Database in a region of good sequence coverage so the variant is presumed to be rare. Based on the limited evidence, the p.Val279Gly variant is classified as a variant of uncertain significance for Alagille syndrome.